The following is an entry in ClinVar:

NM_152618.3(BBS12):c.172G>T (p.Glu58Ter)

Gene: BBS12 (Bardet-Biedl syndrome 12; plus strand). Cytogenetic location: 4q27.
Variant type: single nucleotide variant.
Coding change: c.172G>T on transcript NM_152618.3 (MANE Select); coding-DNA position 172, G replaced by T.
Protein change: p.Glu58Ter; replaces glutamic acid 58 with a stop codon.
Molecular consequence: nonsense.
Genome position (GRCh38, 1-based): chr4:122,742,064, G>T. VCF-style: chr4-122742064-G-T. GRCh37 (hg19) VCF-style: chr4-123663219-G-T.
Other names: c.172G>T, p.Glu58Ter (NM_001178007.2); c.172G>T (NM_152618.2); short protein forms E58*.
Identifiers: ClinVar variation 1075926 (VCV001075926.10), dbSNP rs759455327, ClinGen allele CA3069253.
Genomic context (GRCh38, chr4:122,742,064, plus strand): 5'-TTTATTATAGATGAAGAATGTCATGAAAGTGTATTAATCAGTTCAACAGTAAGGCTTCTT[G>T]AAAGTTTGGATTTAACCAGTGCAGTGGGACAACTTCTCAATGAAGCAGTTCAAGCACAAA-3'

ClinVar aggregate classification (germline): Pathogenic/Likely pathogenic. Review status: criteria provided, multiple submitters, no conflicts (2 of 4 stars). 4 submissions from 4 submitters: Pathogenic (3); Likely pathogenic (1). Last evaluated 2025-04-04.

Conditions:
Bardet-Biedl syndrome (BBS). Identifiers: Orphanet 110, MedGen C0752166, MONDO:0015229.
Bardet-Biedl syndrome 12 (BBS12). Identifiers: Orphanet 110, MedGen C1859570, MONDO:0014440, OMIM 615989.

Allele frequency attached by ClinVar (database versions not stated): gnomAD exomes below 0.00001 and 0.00003; ExAC 0.00001.
gnomAD v4.1: 39 of 1,614,156 alleles (0.0024%); highest among the groups gnomAD compares: Non-Finnish European, 0.0033%; no homozygotes.

Submissions (4):

Natera, Inc.
Classification: Likely pathogenic for Bardet-Biedl syndrome type 12. Last evaluated: 2025-04-04. Review status: criteria provided, single submitter. Criteria: Natera Variant Classification Schema (03/2026). Collection method: clinical testing. Allele origin: germline.
Comment: The c.172G>T variant in BBS12 is a nonsense variant predicted to introduce a stop codon at amino acid 58. This variant is expected to result in nonsense mediated decay, truncation, or a dysfunctional protein product. This variant is rare in the general population with a frequency below the threshold expected for the associated phenotype(s). This variant has been observed in one or more individuals affected with the associated recessive disease, as either homozygous or compound heterozygous with a second variant (PMID: 25170860). Given the available evidence, this variant is classified as Likely Pathogenic.

Labcorp Genetics (formerly Invitae), Labcorp
Classification: Pathogenic for Bardet-Biedl syndrome. Last evaluated: 2024-03-09. Review status: criteria provided, single submitter. Criteria: Invitae Variant Classification Sherloc (09022015). Collection method: clinical testing. Allele origin: germline.
Comment: This sequence change creates a premature translational stop signal (p.Glu58*) in the BBS12 gene. While this is not anticipated to result in nonsense mediated decay, it is expected to disrupt the last 653 amino acid(s) of the BBS12 protein. This variant is present in population databases (rs759455327, gnomAD 0.0009%). This premature translational stop signal has been observed in individual(s) with Bardet-Biedl syndrome (PMID: 25170860). ClinVar contains an entry for this variant (Variation ID: 1075926). This variant disrupts a region of the BBS12 protein in which other variant(s) (p.Asp687Valfs*3) have been determined to be pathogenic (Invitae). This suggests that this is a clinically significant region of the protein, and that variants that disrupt it are likely to be disease-causing. For these reasons, this variant has been classified as Pathogenic.

Fulgent Genetics
Classification: Pathogenic for Bardet-Biedl syndrome 12. Last evaluated: 2024-01-04. Review status: criteria provided, single submitter. Criteria: ACMG Guidelines, 2015. Collection method: clinical testing. Allele origin: germline.

Baylor Genetics
Classification: Pathogenic for Bardet-Biedl syndrome 12. Last evaluated: 2023-05-17. Review status: criteria provided, single submitter. Criteria: ACMG Guidelines, 2015. Collection method: clinical testing. Allele origin: unknown.

Literature cited by the submitters: PubMed 25170860 (cited by Natera, Inc. and Labcorp Genetics (formerly Invitae), Labcorp).